The following is an entry in ClinVar:

ClinVar aggregate classification (germline): Benign/Likely benign. Review status: criteria provided, multiple submitters, no conflicts (2 of 4 stars). 4 submissions from 4 submitters: Benign (1); Likely benign (2). 1 of the submissions does not count toward it. Last evaluated 2026-01-26.

Conditions:
CDK5RAP2-related disorder. Also called: CDK5RAP2-related condition.

Allele frequency attached by ClinVar (database versions not stated): gnomAD exomes 0.00008 and 0.00024; ExAC 0.00027; 1000 Genomes Project 30x 0.00062; 1000 Genomes Project 0.00080; ESP Exome Variant Server 0.00115; gnomAD 0.00117 and 0.00128; TOPMed 0.00124.
gnomAD v4.1: 296 of 1,614,154 alleles (0.018%); highest among the groups gnomAD compares: African/African-American, 0.38%; no homozygotes.

Submissions (4):

Labcorp Genetics (formerly Invitae), Labcorp
Classification: Benign. Last evaluated: 2026-01-26. Review status: criteria provided, single submitter. Criteria: Invitae Variant Classification Sherloc (09022015). Collection method: clinical testing. Allele origin: germline.

Blueprint Genetics
Classification: Likely benign. Last evaluated: 2024-10-16. Review status: criteria provided, single submitter. Criteria: ACMG Guidelines, 2015. Collection method: clinical testing. Allele origin: germline.

GeneDx
Classification: Likely benign. Last evaluated: 2016-09-29. Review status: criteria provided, single submitter. Criteria: GeneDx Variant Classification (06012015). Collection method: clinical testing. Allele origin: germline. Affected: yes.
Comment: This variant is considered likely benign or benign based on one or more of the following criteria: it is a conservative change, it occurs at a poorly conserved position in the protein, it is predicted to be benign by multiple in silico algorithms, and/or has population frequency not consistent with disease.

PreventionGenetics, part of Exact Sciences
Classification: Likely benign for CDK5RAP2-related condition. Last evaluated: 2019-09-23. Review status: no assertion criteria provided. Collection method: clinical testing. Allele origin: germline. Not counted in ClinVar's aggregate classification.
Comment: This variant is classified as likely benign based on ACMG/AMP sequence variant interpretation guidelines (Richards et al. 2015 PMID: 25741868, with internal and published modifications).

NM_018249.6(CDK5RAP2):c.1593A>G (p.Gln531=)

Gene: CDK5RAP2 (CDK5 regulatory subunit associated protein 2; minus strand). Cytogenetic location: 9q33.2.
Variant type: single nucleotide variant.
Coding change: c.1593A>G on transcript NM_018249.6 (MANE Select); coding-DNA position 1593, A replaced by G.
Protein change: p.Gln531=; no amino-acid change (glutamine 531 retained).
Molecular consequence: synonymous variant. On other transcripts: non-coding transcript variant (5).
Genome position (GRCh38, 1-based): chr9:120,487,327, T>C on the plus strand (A>G on the coding strand, the complement: CDK5RAP2 is on the minus strand). VCF-style: chr9-120487327-T-C. GRCh37 (hg19) VCF-style: chr9-123249605-T-C.
Other names: c.1593A>G, p.Gln531= (NM_001011649.3, NM_001272039.2).
Identifiers: ClinVar variation 389509 (VCV000389509.12), dbSNP rs140722791, ClinGen allele CA5214344.
Genomic context (GRCh38, chr9:120,487,327, plus strand): 5'-TGAATGTCCAATTTCAGTCAAGCTTACCTTAGAGAAGATGGTTTTGCTGCCTGGTGGCTG[T>C]TGAGAAGAGCACTTTTCTGTTATTAAGCCTTCACTCCTGAGCTCAAGATCCTCTGCAGCC-3'
Protein context (NP_060719.4, residues 521-541): EGLITEKCSS[Gln531=]QPPGSKTIFS